The following is an entry in ClinVar:

ClinVar aggregate classification (germline): Conflicting classifications of pathogenicity. Review status: criteria provided, conflicting classifications (1 of 4 stars). 9 submissions from 9 submitters: Uncertain significance (3); Likely benign (4). 2 of the submissions do not count toward it. Last evaluated 2026-02-03.

Conditions:
Dilated cardiomyopathy 1G (CMD1G). Identifiers: Orphanet 154, MedGen C1858763, MONDO:0011400, OMIM 604145.
Autosomal recessive limb-girdle muscular dystrophy type 2J (LGMDR10). Also called: Limb-girdle muscular dystrophy, type 2J; MUSCULAR DYSTROPHY, LIMB-GIRDLE, AUTOSOMAL RECESSIVE 10. Identifiers: Orphanet 140922, MedGen C1837342, MONDO:0012127, OMIM 608807.
TTN-related disorder. Also called: TTN-related condition; TTN-related disease; TTN-related disorders.
Cardiomyopathy (CMYO). Also called: Cardiomyopathies. Identifiers: Orphanet 167848, MedGen C0878544, MONDO:0004994, HP:0001638. Inheritance: Various modes of inheritance.

Allele frequency attached by ClinVar (database versions not stated): gnomAD 0.00005 and 0.00009; gnomAD exomes 0.00009 and 0.00029; TOPMed 0.00011; ExAC 0.00027; 1000 Genomes Project 30x 0.00094; 1000 Genomes Project 0.00100.
gnomAD v4.1: 143 of 1,614,054 alleles (0.0089%); highest among the groups gnomAD compares: East Asian, 0.31%; no homozygotes.

Submissions (9):

PreventionGenetics, part of Exact Sciences
Classification: Likely benign for TTN-related condition. Last evaluated: 2026-02-03. Review status: criteria provided, single submitter. Criteria: ACMG Guidelines, 2015. Collection method: clinical testing. Allele origin: germline.
Comment: This variant is classified as likely benign based on ACMG/AMP sequence variant interpretation guidelines (Richards et al. 2015 PMID: 25741868, with internal and published modifications).

Labcorp Genetics (formerly Invitae), Labcorp
Classification: Likely benign for Dilated cardiomyopathy 1G; Autosomal recessive limb-girdle muscular dystrophy type 2J. Last evaluated: 2026-01-17. Review status: criteria provided, single submitter. Criteria: Invitae Variant Classification Sherloc (09022015). Collection method: clinical testing. Allele origin: germline.

Blueprint Genetics
Classification: Likely benign. Last evaluated: 2024-06-07. Review status: criteria provided, single submitter. Criteria: ACMG Guidelines, 2015. Collection method: clinical testing. Allele origin: germline.

Revvity Omics, Revvity
Classification: Uncertain significance. Last evaluated: 2023-12-04. Review status: criteria provided, single submitter. Criteria: ACMG Guidelines, 2015. Collection method: clinical testing. Allele origin: germline.

GeneDx
Classification: Likely benign. Last evaluated: 2018-10-25. Review status: criteria provided, single submitter. Criteria: GeneDx Variant Classification Process June 2021. Collection method: clinical testing. Allele origin: germline. Affected: yes.

CHEO Genetics Diagnostic Laboratory, Children's Hospital of Eastern Ontario
Classification: Uncertain significance for Cardiomyopathy. Last evaluated: 2015-12-07. Review status: criteria provided, single submitter. Criteria: ACMG Guidelines, 2015. Collection method: clinical testing. Allele origin: germline. Study: Canadian Open Genetics Repository.

Biesecker Lab/Clinical Genomics Section, National Institutes of Health
Classification: Uncertain significance. Last evaluated: 2013-06-24. Review status: criteria provided, single submitter. Criteria: Ng et al. (Circ Cardiovasc Genet. 2013). Collection method: research. Allele origin: unknown. Observed: 1 variant allele. Study: ClinSeq.
Comment: The study set was not selected for affection status in relation to any cancer. Pathogenicity categories were based on literature curation. See Pubmed ID:23861362 for details.

Medical sequencing

Clinical Genetics, Academic Medical Center
Classification: Benign. Review status: no assertion criteria provided. Collection method: clinical testing. Allele origin: germline. Affected: yes. Study: VKGL Data-share Consensus. Not counted in ClinVar's aggregate classification.

Laboratory of Diagnostic Genome Analysis, Leiden University Medical Center (LUMC)
Classification: Likely benign. Review status: no assertion criteria provided. Collection method: clinical testing. Allele origin: germline. Affected: yes. Study: VKGL Data-share Consensus. Not counted in ClinVar's aggregate classification.

NM_001267550.2(TTN):c.8788G>A (p.Val2930Ile)

Gene: TTN (titin; minus strand). Cytogenetic location: 2q31.2.
Variant type: single nucleotide variant.
Coding change: c.8788G>A on transcript NM_001267550.2 (MANE Select); coding-DNA position 8788, G replaced by A.
Protein change: p.Val2930Ile; replaces valine 2930 with isoleucine.
Molecular consequence: missense variant.
Genome position (GRCh38, 1-based): chr2:178,769,793, C>T on the plus strand (G>A on the coding strand, the complement: TTN is on the minus strand). VCF-style: chr2-178769793-C-T. GRCh37 (hg19) VCF-style: chr2-179634520-C-T.
Other names: c.8788G>A, p.Val2930Ile (NM_001256850.1, NM_133378.4, NM_133379.5); c.8650G>A, p.Val2884Ile (NM_003319.4, NM_133432.3, NM_133437.4); short protein forms V2930I, V2884I.
Identifiers: ClinVar variation 192068 (VCV000192068.30), dbSNP rs56373393, ClinGen allele CA238228.